The following is an entry in ClinVar:

ClinVar aggregate classification (germline): Uncertain significance. Review status: criteria provided, multiple submitters, no conflicts (2 of 4 stars). 3 submissions from 3 submitters: Uncertain significance (3). Last evaluated 2026-01-12.

Conditions:
Familial cancer of breast. Also called: Hereditary breast cancer; hereditary breast carcinoma; BREAST CANCER, FAMILIAL. Identifiers: Orphanet 227535, MedGen C0346153, MONDO:0016419, OMIM 114480. Disease mechanism: loss of function.
Fanconi anemia complementation group J. Also called: BRIP1-Related Fanconi Anemia. Identifiers: Orphanet 84, MedGen C1836860, MONDO:0012187, OMIM 609054.
Hereditary cancer-predisposing syndrome. Also called: Hereditary Cancer Syndrome; Neoplastic Syndromes, Hereditary; Hereditary neoplastic syndrome; Tumor predisposition. Identifiers: Orphanet 140162, MedGen C0027672, MeSH D009386, MONDO:0015356.

Submissions (3):

Labcorp Genetics (formerly Invitae), Labcorp
Classification: Uncertain significance for Familial cancer of breast; Fanconi anemia complementation group J. Last evaluated: 2026-01-12. Review status: criteria provided, single submitter. Criteria: Invitae Variant Classification Sherloc (09022015). Collection method: clinical testing. Allele origin: germline.
Comment: This sequence change replaces lysine, which is basic and polar, with arginine, which is basic and polar, at codon 890 of the BRIP1 protein (p.Lys890Arg). This variant is not present in population databases (gnomAD no frequency). This variant has not been reported in the literature in individuals affected with BRIP1-related conditions. ClinVar contains an entry for this variant (Variation ID: 821648). Invitae Evidence Modeling of protein sequence and biophysical properties (such as structural, functional, and spatial information, amino acid conservation, physicochemical variation, residue mobility, and thermodynamic stability) indicates that this missense variant is not expected to disrupt BRIP1 protein function with a negative predictive value of 95%. In summary, the available evidence is currently insufficient to determine the role of this variant in disease. Therefore, it has been classified as a Variant of Uncertain Significance.

Ambry Genetics
Classification: Uncertain significance for Hereditary cancer-predisposing syndrome. Last evaluated: 2025-06-23. Review status: criteria provided, single submitter. Criteria: Ambry Variant Classification Scheme 2023. Collection method: clinical testing. Allele origin: germline.
Comment: The p.K890R variant (also known as c.2669A>G), located in coding exon 18 of the BRIP1 gene, results from an A to G substitution at nucleotide position 2669. The lysine at codon 890 is replaced by arginine, an amino acid with highly similar properties. This amino acid position is well conserved in available vertebrate species. In addition, this alteration is predicted to be tolerated by in silico analysis. Since supporting evidence is limited at this time, the clinical significance of this alteration remains unclear.

GeneDx
Classification: Uncertain significance. Last evaluated: 2022-04-07. Review status: criteria provided, single submitter. Criteria: GeneDx Variant Classification Process June 2021. Collection method: clinical testing. Allele origin: germline. Affected: yes.
Comment: Not observed at significant frequency in large population cohorts (gnomAD); In silico analysis supports that this missense variant does not alter protein structure/function; Has not been previously published as pathogenic or benign to our knowledge; This variant is associated with the following publications: (PMID: 11301010)

NM_032043.3(BRIP1):c.2669A>G (p.Lys890Arg)

Gene: BRIP1 (BRCA1 interacting DNA helicase 1; minus strand). Cytogenetic location: 17q23.2.
Variant type: single nucleotide variant.
Coding change: c.2669A>G on transcript NM_032043.3 (MANE Select); coding-DNA position 2669, A replaced by G.
Protein change: p.Lys890Arg; replaces lysine 890 with arginine.
Molecular consequence: missense variant.
Genome position (GRCh38, 1-based): chr17:61,686,072, T>C on the plus strand (A>G on the coding strand, the complement: BRIP1 is on the minus strand). VCF-style: chr17-61686072-T-C. GRCh37 (hg19) VCF-style: chr17-59763433-T-C.
Other names: short protein forms K890R.
Identifiers: ClinVar variation 821648 (VCV000821648.14), dbSNP rs902432731, ClinGen allele CA400481815.
Genomic context (GRCh38, chr17:61,686,072, plus strand): 5'-TCAAGTGTAGACTCATTGTCCTGTATATTGGTTCTGTCCTTTATGGATACATTAAGAACT[T>C]TTTGATGCTTTTTGGAAAATTCAGCCAAGGATTCCAGTGCACTTTCAAAGGTTGAATGGT-3'
Protein context (NP_114432.2, residues 880-900): SLAEFSKKHQ[Lys890Arg]VLNVSIKDRT